The following is an entry in ClinVar:

ClinVar aggregate classification (germline): Uncertain significance (1 of 4 stars; one submission).

Conditions:
Inborn genetic diseases. Identifiers: MedGen C0950123, MeSH D030342.

gnomAD v4.1: 3 of 1,614,148 alleles (0.00019%); highest among the groups gnomAD compares: Non-Finnish European, 0.00025%; no homozygotes.

Submission:

Ambry Genetics
Classification: Uncertain significance for Inborn genetic diseases. Last evaluated: 2025-03-15. Review status: criteria provided, single submitter. Criteria: Ambry Variant Classification Scheme 2023. Collection method: clinical testing. Allele origin: germline.
Comment: The p.S137C variant (also known as c.410C>G), located in coding exon 6 of the ASXL1 gene, results from a C to G substitution at nucleotide position 410. The serine at codon 137 is replaced by cysteine, an amino acid with dissimilar properties. This amino acid position is conserved. In addition, this alteration is predicted to be tolerated by in silico analysis. Based on the available evidence, the clinical significance of this variant remains unclear.

NM_015338.6(ASXL1):c.410C>G (p.Ser137Cys)

Gene: ASXL1 (ASXL transcriptional regulator 1; plus strand). Cytogenetic location: 20q11.21.
Variant type: single nucleotide variant.
Coding change: c.410C>G on transcript NM_015338.6 (MANE Select); coding-DNA position 410, C replaced by G.
Protein change: p.Ser137Cys; replaces serine 137 with cysteine.
Molecular consequence: missense variant.
Genome position (GRCh38, 1-based): chr20:32,428,361, C>G. VCF-style: chr20-32428361-C-G. GRCh37 (hg19) VCF-style: chr20-31016164-C-G.
Other names: c.380C>G, p.Ser127Cys (NM_001363734.1); short protein forms S127C, S137C.
Identifiers: ClinVar variation 3954849 (VCV003954849.1).